The following is an entry in ClinVar:

NM_002742.3(PRKD1):c.1021A>C (p.Met341Leu)

Gene: PRKD1 (protein kinase D1; minus strand). Cytogenetic location: 14q12.
Variant type: single nucleotide variant.
Coding change: c.1021A>C on transcript NM_002742.3 (MANE Select); coding-DNA position 1021, A replaced by C.
Protein change: p.Met341Leu; replaces methionine 341 with leucine.
Molecular consequence: missense variant.
Genome position (GRCh38, 1-based): chr14:29,636,459, T>G on the plus strand (A>C on the coding strand, the complement: PRKD1 is on the minus strand). VCF-style: chr14-29636459-T-G. GRCh37 (hg19) VCF-style: chr14-30105665-T-G.
Other names: c.1045A>C, p.Met349Leu (NM_001330069.2); c.757A>C, p.Met253Leu (NM_001348390.1); c.1045A>C (NM_001330069.1); short protein forms M341L, M349L, M253L.
Identifiers: ClinVar variation 731412 (VCV000731412.6), dbSNP rs45460991, ClinGen allele CA7141291.
Genomic context (GRCh38, chr14:29,636,459, plus strand): 5'-CCATATCATCCATGAGCCCACTGTTCCTTTCACTATCATTGTCATCACTCCCTTCTTCCA[T>G]GACCACATCAGACTCTGCCCCAGGGCTAAGCAAATCTAGAAAATTATTTTCACCCATGAA-3'
Protein context (NP_002733.2, residues 331-351): LSPGAESDVV[Met341Leu]EEGSDDNDSE

ClinVar aggregate classification (germline): Benign. Review status: criteria provided, single submitter (1 of 4 stars). 2 submissions from 2 submitters: Benign (1). 1 of the submissions does not count toward it. Last evaluated 2019-12-31.

Conditions:
PRKD1-related disorder. Also called: PRKD1-related condition.

Allele frequency attached by ClinVar (database versions not stated): ESP Exome Variant Server 0.00015; TOPMed 0.00049; 1000 Genomes Project 30x 0.00141; 1000 Genomes Project 0.00180.
gnomAD v4.1: 545 of 1,614,138 alleles (0.034%); highest among the groups gnomAD compares: East Asian, 1%; 4 homozygotes.

Submissions (2):

Labcorp Genetics (formerly Invitae), Labcorp
Classification: Benign. Last evaluated: 2019-12-31. Review status: criteria provided, single submitter. Criteria: Invitae Variant Classification Sherloc (09022015). Collection method: clinical testing. Allele origin: germline.

PreventionGenetics, part of Exact Sciences
Classification: Likely benign for PRKD1-related condition. Last evaluated: 2019-02-22. Review status: no assertion criteria provided. Collection method: clinical testing. Allele origin: germline. Not counted in ClinVar's aggregate classification.
Comment: This variant is classified as likely benign based on ACMG/AMP sequence variant interpretation guidelines (Richards et al. 2015 PMID: 25741868, with internal and published modifications).